The following is an entry in ClinVar:

NM_001035.3(RYR2):c.4803C>G (p.Asn1601Lys)

Gene: RYR2 (ryanodine receptor 2; plus strand). Cytogenetic location: 1q43.
Variant type: single nucleotide variant.
Coding change: c.4803C>G on transcript NM_001035.3 (MANE Select); coding-DNA position 4803, C replaced by G.
Protein change: p.Asn1601Lys; replaces asparagine 1601 with lysine.
Molecular consequence: missense variant.
Genome position (GRCh38, 1-based): chr1:237,610,881, C>G. VCF-style: chr1-237610881-C-G. GRCh37 (hg19) VCF-style: chr1-237774181-C-G.
Other names: short protein forms N1601K.
Identifiers: ClinVar variation 2768622 (VCV002768622.3), dbSNP rs753447891, ClinGen allele CA086740.

ClinVar aggregate classification (germline): Uncertain significance (1 of 4 stars; one submission).

Conditions:
Catecholaminergic polymorphic ventricular tachycardia 1. Also called: RYR2-Related Catecholaminergic Polymorphic Ventricular Tachycardia; VENTRICULAR TACHYCARDIA, STRESS-INDUCED POLYMORPHIC 1; VENTRICULAR TACHYCARDIA, CATECHOLAMINERGIC POLYMORPHIC, 1, WITH OR WITHOUT ATRIAL DYSFUNCTION AND/OR DILATED CARDIOMYOPATHY. Identifiers: Orphanet 3286, MedGen C1631597, MONDO:0011484, OMIM 604772.

Allele frequency attached by ClinVar (database versions not stated): ExAC 0.00001.

Submission:

Labcorp Genetics (formerly Invitae), Labcorp
Classification: Uncertain significance for Catecholaminergic polymorphic ventricular tachycardia 1. Last evaluated: 2023-10-15. Review status: criteria provided, single submitter. Criteria: Invitae Variant Classification Sherloc (09022015). Collection method: clinical testing. Allele origin: germline.
Comment: This sequence change replaces asparagine, which is neutral and polar, with lysine, which is basic and polar, at codon 1601 of the RYR2 protein (p.Asn1601Lys). This variant is present in population databases (rs753447891, gnomAD 0.0009%). This variant has not been reported in the literature in individuals affected with RYR2-related conditions. Advanced modeling of protein sequence and biophysical properties (such as structural, functional, and spatial information, amino acid conservation, physicochemical variation, residue mobility, and thermodynamic stability) performed at Invitae indicates that this missense variant is expected to disrupt RYR2 protein function. In summary, the available evidence is currently insufficient to determine the role of this variant in disease. Therefore, it has been classified as a Variant of Uncertain Significance.